The following is an entry in ClinVar:

NM_000179.3(MSH6):c.1257G>T (p.Gln419His)

Gene: MSH6 (mutS homolog 6; plus strand). Cytogenetic location: 2p16.3.
Variant type: single nucleotide variant.
Coding change: c.1257G>T on transcript NM_000179.3 (MANE Select); coding-DNA position 1257, G replaced by T.
Protein change: p.Gln419His; replaces glutamine 419 with histidine.
Molecular consequence: missense variant.
Genome position (GRCh38, 1-based): chr2:47,799,240, G>T. VCF-style: chr2-47799240-G-T. GRCh37 (hg19) VCF-style: chr2-48026379-G-T.
Other names: c.351G>T, p.Gln117His (NM_001281493.2, NM_001281494.2); c.867G>T, p.Gln289His (NM_001281492.2); short protein forms Q289H, Q419H, Q117H.
Identifiers: ClinVar variation 1371009 (VCV001371009.8), dbSNP rs63750026, ClinGen allele CA346743902.
Genomic context (GRCh38, chr2:47,799,240, plus strand): 5'-TGAGGATTTCCTCAATTCTTGTACTCCTGGGATGAGGAAGTGGTGGCAGATTAAGTCTCA[G>T]AACTTTGATCTTGTCATCTGTTACAAGGTGGGGAAATTTTATGAGCTGTACCACATGGAT-3'
Protein context (NP_000170.1, residues 409-429): GMRKWWQIKS[Gln419His]NFDLVICYKV

ClinVar aggregate classification (germline): Uncertain significance. Review status: criteria provided, multiple submitters, no conflicts (2 of 4 stars). 2 submissions from 2 submitters: Uncertain significance (2). Last evaluated 2022-09-24.

Conditions:
Hereditary nonpolyposis colorectal neoplasms. Identifiers: MedGen C0009405, MeSH D003123.
Hereditary cancer-predisposing syndrome. Also called: Neoplastic Syndromes, Hereditary; Tumor predisposition; Hereditary neoplastic syndrome; Hereditary Cancer Syndrome. Identifiers: Orphanet 140162, MedGen C0027672, MeSH D009386, MONDO:0015356.

Submissions (2):

Labcorp Genetics (formerly Invitae), Labcorp
Classification: Uncertain significance for Hereditary nonpolyposis colorectal neoplasms. Last evaluated: 2022-09-24. Review status: criteria provided, single submitter. Criteria: Invitae Variant Classification Sherloc (09022015). Collection method: clinical testing. Allele origin: germline.
Comment: This sequence change replaces glutamine, which is neutral and polar, with histidine, which is basic and polar, at codon 419 of the MSH6 protein (p.Gln419His). In summary, the available evidence is currently insufficient to determine the role of this variant in disease. Therefore, it has been classified as a Variant of Uncertain Significance. Advanced modeling of protein sequence and biophysical properties (such as structural, functional, and spatial information, amino acid conservation, physicochemical variation, residue mobility, and thermodynamic stability) performed at Invitae indicates that this missense variant is not expected to disrupt MSH6 protein function. ClinVar contains an entry for this variant (Variation ID: 1371009). This variant has not been reported in the literature in individuals affected with MSH6-related conditions. This variant is not present in population databases (gnomAD no frequency).

Ambry Genetics
Classification: Uncertain significance for Hereditary cancer-predisposing syndrome. Last evaluated: 2020-06-05. Review status: criteria provided, single submitter. Criteria: Ambry Variant Classification Scheme 2023. Collection method: clinical testing. Allele origin: germline.
Comment: The p.Q419H variant (also known as c.1257G>T), located in coding exon 4 of the MSH6 gene, results from a G to T substitution at nucleotide position 1257. The glutamine at codon 419 is replaced by histidine, an amino acid with highly similar properties. This amino acid position is well conserved in available vertebrate species. In addition, the in silico prediction for this alteration is inconclusive. Since supporting evidence is limited at this time, the clinical significance of this alteration remains unclear.